The following is an entry in ClinVar:

ClinVar aggregate classification (germline): Uncertain significance (1 of 4 stars; one submission).

Conditions:
Desbuquois dysplasia 1 (DBQD1). Also called: MICROMELIC DWARFISM WITH VERTEBRAL AND METAPHYSEAL ABNORMALITIES AND ADVANCED CARPOTARSAL OSSIFICATION; DESBUQUOIS DYSPLASIA 1, KIM VARIANT. Identifiers: Orphanet 1425, MedGen C4012146, MONDO:0009629, OMIM 251450.

Allele frequency attached by ClinVar (database versions not stated): gnomAD 0.00001; gnomAD exomes 0.00001; TOPMed 0.00002.
gnomAD v4.1: 3 of 1,167,080 alleles (0.00026%); highest among the groups gnomAD compares: African/African-American, 0.005%; no homozygotes.

Submission:

Labcorp Genetics (formerly Invitae), Labcorp
Classification: Uncertain significance for Desbuquois dysplasia 1. Last evaluated: 2020-05-12. Review status: criteria provided, single submitter. Criteria: Invitae Variant Classification Sherloc (09022015). Collection method: clinical testing. Allele origin: germline.
Comment: In summary, the available evidence is currently insufficient to determine the role of this variant in disease. Therefore, it has been classified as a Variant of Uncertain Significance. Algorithms developed to predict the effect of missense changes on protein structure and function (SIFT, PolyPhen-2, Align-GVGD) all suggest that this variant is likely to be tolerated, but these predictions have not been confirmed by published functional studies and their clinical significance is uncertain. This variant has not been reported in the literature in individuals with XYLT1-related conditions. The frequency data for this variant in the population databases is considered unreliable, as metrics indicate insufficient coverage at this position in the ExAC database. This sequence change replaces leucine with valine at codon 30 of the XYLT1 protein (p.Leu30Val). The leucine residue is weakly conserved and there is a small physicochemical difference between leucine and valine.

NM_022166.4(XYLT1):c.88C>G (p.Leu30Val)

Gene: XYLT1 (xylosyltransferase 1; minus strand). Cytogenetic location: 16p12.3.
Variant type: single nucleotide variant.
Coding change: c.88C>G on transcript NM_022166.4 (MANE Select); coding-DNA position 88, C replaced by G.
Protein change: p.Leu30Val; replaces leucine 30 with valine.
Molecular consequence: missense variant.
Genome position (GRCh38, 1-based): chr16:17,470,709, G>C on the plus strand (C>G on the coding strand, the complement: XYLT1 is on the minus strand). VCF-style: chr16-17470709-G-C. GRCh37 (hg19) VCF-style: chr16-17564566-G-C.
Other names: short protein forms L30V.
Identifiers: ClinVar variation 1010295 (VCV001010295.8), dbSNP rs948173236, ClinGen allele CA279106538.